The following is an entry in ClinVar:

NM_000046.5(ARSB):c.1335A>T (p.Pro445=)

Gene: ARSB (arylsulfatase B; minus strand). Cytogenetic location: 5q14.1.
Variant type: single nucleotide variant.
Coding change: c.1335A>T on transcript NM_000046.5 (MANE Select); coding-DNA position 1335, A replaced by T.
Protein change: p.Pro445=; no amino-acid change (proline 445 retained).
Molecular consequence: synonymous variant.
Genome position (GRCh38, 1-based): chr5:78,781,853, T>A on the plus strand (A>T on the coding strand, the complement: ARSB is on the minus strand). VCF-style: chr5-78781853-T-A. GRCh37 (hg19) VCF-style: chr5-78077676-T-A.
Identifiers: ClinVar variation 3912026 (VCV003912026.2).

ClinVar aggregate classification (germline): Uncertain significance (1 of 4 stars; one submission).

Submission:

Women's Health and Genetics/Laboratory Corporation of America, LabCorp
Classification: Uncertain significance. Last evaluated: 2025-07-01. Review status: criteria provided, single submitter. Criteria: LabCorp Variant Classification Summary - May 2015. Collection method: clinical testing. Allele origin: germline.
Comment: Variant summary: ARSB c.1335A>T (p.Pro445Pro) alters a conserved nucleotide located close to a canonical splice site and therefore could affect mRNA splicing, leading to a significantly altered protein sequence. Several computational tools predict a significant impact on normal splicing: Three predict the variant abolishes a canonical 5' splicing donor site and one predicts the variant weakens this site. However, these predictions have yet to be confirmed by functional studies. The variant was absent in 251390 control chromosomes (gnomAD). The available data on variant occurrences in the general population are insufficient to allow any conclusion about variant significance. To our knowledge, no occurrence of c.1335A>T in individuals affected with Mucopolysaccharidosis Type VI (Maroteaux-Lamy Syndrome) and no experimental evidence demonstrating its impact on protein function have been reported. No submitters have cited clinical-significance assessments for this variant to ClinVar. Based on the evidence outlined above, the variant was classified as uncertain significance.